The following is an entry in ClinVar:

NM_020207.7(ERCC6L2):c.80C>T (p.Pro27Leu)

Gene: ERCC6L2 (ERCC excision repair 6 like 2; plus strand). Cytogenetic location: 9q22.32.
Variant type: single nucleotide variant.
Coding change: c.80C>T on transcript NM_020207.7 (MANE Select); coding-DNA position 80, C replaced by T.
Protein change: p.Pro27Leu; replaces proline 27 with leucine.
Molecular consequence: missense variant. On other transcripts: non-coding transcript variant (1).
Genome position (GRCh38, 1-based): chr9:95,880,902, C>T. VCF-style: chr9-95880902-C-T. GRCh37 (hg19) VCF-style: chr9-98643184-C-T.
Other names: c.80C>T, p.Pro27Leu (NM_001010895.4, NM_001375291.1, NM_001375292.1 and 2 more transcripts); short protein forms P27L.
Identifiers: ClinVar variation 3845912 (VCV003845912.1).

ClinVar aggregate classification (germline): Uncertain significance (1 of 4 stars; one submission).

Conditions:
Inborn genetic diseases. Identifiers: MedGen C0950123, MeSH D030342.

Submission:

Ambry Genetics
Classification: Uncertain significance for Inborn genetic diseases. Last evaluated: 2025-02-03. Review status: criteria provided, single submitter. Criteria: Ambry Variant Classification Scheme 2023. Collection method: clinical testing. Allele origin: germline.
Comment: The p.P27L variant (also known as c.80C>T), located in coding exon 2 of the ERCC6L2 gene, results from a C to T substitution at nucleotide position 80. The proline at codon 27 is replaced by leucine, an amino acid with similar properties. This amino acid position is conserved. In addition, the in silico prediction for this alteration is inconclusive. Based on the available evidence, the clinical significance of this variant remains unclear.